The following is an entry in ClinVar:

NM_033305.3(VPS13A):c.3784A>G (p.Ile1262Val)

Gene: VPS13A (vacuolar protein sorting 13 homolog A; plus strand). Cytogenetic location: 9q21.2.
Variant type: single nucleotide variant.
Coding change: c.3784A>G on transcript NM_033305.3 (MANE Select); coding-DNA position 3784, A replaced by G.
Protein change: p.Ile1262Val; replaces isoleucine 1262 with valine.
Molecular consequence: missense variant.
Genome position (GRCh38, 1-based): chr9:77,295,818, A>G. VCF-style: chr9-77295818-A-G. GRCh37 (hg19) VCF-style: chr9-79910734-A-G.
Other names: c.3667A>G, p.Ile1223Val (NM_001018037.2); c.3784A>G, p.Ile1262Val (NM_001018038.3, NM_015186.4); short protein forms I1223V, I1262V.
Identifiers: ClinVar variation 3665760 (VCV003665760.2).

ClinVar aggregate classification (germline): Uncertain significance (1 of 4 stars; one submission).

gnomAD v4.1: 8 of 1,613,996 alleles (0.0005%); highest among the groups gnomAD compares: South Asian, 0.0011%; no homozygotes.

Submission:

Labcorp Genetics (formerly Invitae), Labcorp
Classification: Uncertain significance. Last evaluated: 2025-08-18. Review status: criteria provided, single submitter. Criteria: Invitae Variant Classification Sherloc (09022015). Collection method: clinical testing. Allele origin: germline.
Comment: This sequence change replaces isoleucine, which is neutral and non-polar, with valine, which is neutral and non-polar, at codon 1262 of the VPS13A protein (p.Ile1262Val). This variant is present in population databases (rs766063874, gnomAD 0.003%). This variant has not been reported in the literature in individuals affected with VPS13A-related conditions. ClinVar contains an entry for this variant (Variation ID: 3665760). An algorithm developed to predict the effect of missense changes on protein structure and function outputs the following: PolyPhen-2: "Benign". The valine amino acid residue is found in multiple mammalian species, which suggests that this missense change does not adversely affect protein function. In summary, the available evidence is currently insufficient to determine the role of this variant in disease. Therefore, it has been classified as a Variant of Uncertain Significance.